The following is an entry in ClinVar:

NM_001100.4(ACTA1):c.920T>G (p.Met307Arg)

Gene: ACTA1 (actin alpha 1, skeletal muscle; minus strand). Cytogenetic location: 1q42.13.
Variant type: single nucleotide variant.
Coding change: c.920T>G on transcript NM_001100.4 (MANE Select); coding-DNA position 920, T replaced by G.
Protein change: p.Met307Arg; replaces methionine 307 with arginine.
Molecular consequence: missense variant.
Genome position (GRCh38, 1-based): chr1:229,431,791, A>C on the plus strand (T>G on the coding strand, the complement: ACTA1 is on the minus strand). VCF-style: chr1-229431791-A-C. GRCh37 (hg19) VCF-style: chr1-229567538-A-C.
Other names: short protein forms M307R.
Identifiers: ClinVar variation 2054260 (VCV002054260.4), dbSNP rs2527436174, ClinGen allele CA345145661.

ClinVar aggregate classification (germline): Pathogenic (1 of 4 stars; one submission).

Conditions:
Actin accumulation myopathy (CMYO2A). Also called: Nemaline myopathy type 3; Myopathy, actin, congenital, with excess of thin myofilaments; CONGENITAL MYOPATHY 2A, TYPICAL, AUTOSOMAL DOMINANT; Myopathy, actin, congenital, with cores; Nemaline myopathy 3, with intranuclear rods. Identifiers: Orphanet 98904, MedGen C3711389, MONDO:0008070, OMIM 161800.

Submission:

Labcorp Genetics (formerly Invitae), Labcorp
Classification: Pathogenic for Actin accumulation myopathy. Last evaluated: 2025-10-02. Review status: criteria provided, single submitter. Criteria: Invitae Variant Classification Sherloc (09022015). Collection method: clinical testing. Allele origin: germline.
Comment: This sequence change replaces methionine, which is neutral and non-polar, with arginine, which is basic and polar, at codon 307 of the ACTA1 protein (p.Met307Arg). This variant is not present in population databases (gnomAD no frequency). This missense change has been observed in individual(s) with ACTA1-related conditions (internal data). In at least one individual the variant was observed to be de novo. ClinVar contains an entry for this variant (Variation ID: 2054260). Invitae Evidence Modeling of protein sequence and biophysical properties (such as structural, functional, and spatial information, amino acid conservation, physicochemical variation, residue mobility, and thermodynamic stability) has been performed for this missense variant. However, the output from this modeling did not meet the statistical confidence thresholds required to predict the impact of this variant on ACTA1 protein function. For these reasons, this variant has been classified as Pathogenic.